The following is an entry in ClinVar:

NM_018249.6(CDK5RAP2):c.4207C>G (p.Arg1403Gly)

Gene: CDK5RAP2 (CDK5 regulatory subunit associated protein 2; minus strand). Cytogenetic location: 9q33.2.
Variant type: single nucleotide variant.
Coding change: c.4207C>G on transcript NM_018249.6 (MANE Select); coding-DNA position 4207, C replaced by G.
Protein change: p.Arg1403Gly; replaces arginine 1403 with glycine.
Molecular consequence: missense variant. On other transcripts: non-coding transcript variant (5).
Genome position (GRCh38, 1-based): chr9:120,415,130, G>C on the plus strand (C>G on the coding strand, the complement: CDK5RAP2 is on the minus strand). VCF-style: chr9-120415130-G-C. GRCh37 (hg19) VCF-style: chr9-123177408-G-C.
Other names: c.4207C>G, p.Arg1403Gly (NM_001011649.3); c.3517C>G, p.Arg1173Gly (NM_001272039.2); c.4108C>G, p.Arg1370Gly (NM_001410992.1); c.4111C>G, p.Arg1371Gly (NM_001410993.1); c.4204C>G, p.Arg1402Gly (NM_001410994.1); c.4207C>G (NM_018249.4); short protein forms R1403G, R1371G, R1173G, R1370G, R1402G.
Identifiers: ClinVar variation 2062811 (VCV002062811.2), dbSNP rs754282058, ClinGen allele CA5213630.
Genomic context (GRCh38, chr9:120,415,130, plus strand): 5'-ACTGTTTCCGTAGCTTCTCATTTGTTTTAATAGATTCTTCTAAACGCTTTCTCAAAGTTC[G>C]AATTTCCTGTATGTGTTCCATTAGTAAGTCTACAGGAAGGAAGCCATTTTTAATTTAAAG-3'
Protein context (NP_060719.4, residues 1393-1413): DLLMEHIQEI[Arg1403Gly]TLRKRLEESI

ClinVar aggregate classification (germline): Uncertain significance. Review status: criteria provided, multiple submitters, no conflicts (2 of 4 stars). 2 submissions from 2 submitters: Uncertain significance (2). Last evaluated 2025-10-27.

Conditions:
Inborn genetic diseases. Identifiers: MedGen C0950123, MeSH D030342.

Allele frequency attached by ClinVar (database versions not stated): gnomAD 0.00001.
gnomAD v4.1: 9 of 1,613,942 alleles (0.00056%); highest among the groups gnomAD compares: South Asian, 0.0011%; no homozygotes.

Submissions (2):

Ambry Genetics
Classification: Uncertain significance for Inborn genetic diseases. Last evaluated: 2025-10-27. Review status: criteria provided, single submitter. Criteria: Ambry Variant Classification Scheme 2023. Collection method: clinical testing. Allele origin: germline.

Labcorp Genetics (formerly Invitae), Labcorp
Classification: Uncertain significance. Last evaluated: 2022-02-13. Review status: criteria provided, single submitter. Criteria: Invitae Variant Classification Sherloc (09022015). Collection method: clinical testing. Allele origin: germline.
Comment: This sequence change replaces arginine, which is basic and polar, with glycine, which is neutral and non-polar, at codon 1403 of the CDK5RAP2 protein (p.Arg1403Gly). This variant is present in population databases (rs754282058, gnomAD 0.003%). This variant has not been reported in the literature in individuals affected with CDK5RAP2-related conditions. Algorithms developed to predict the effect of missense changes on protein structure and function (SIFT, PolyPhen-2, Align-GVGD) all suggest that this variant is likely to be disruptive. In summary, the available evidence is currently insufficient to determine the role of this variant in disease. Therefore, it has been classified as a Variant of Uncertain Significance.